The following is an entry in ClinVar:

ClinVar aggregate classification (germline): Conflicting classifications of pathogenicity. Review status: criteria provided, conflicting classifications (1 of 4 stars). 2 submissions from 2 submitters: Uncertain significance (1); Likely benign (1). Last evaluated 2026-07-01.

Allele frequency attached by ClinVar (database versions not stated): ExAC 0.00003; gnomAD 0.00007.
gnomAD v4.1: 43 of 1,613,570 alleles (0.0027%); highest among the groups gnomAD compares: Admixed American, 0.023%; no homozygotes.

Submissions (2):

CeGaT Center for Human Genetics Tuebingen
Classification: Likely benign. Last evaluated: 2026-07-01. Review status: criteria provided, single submitter. Criteria: CeGaT Center For Human Genetics Tuebingen Variant Classification Criteria Version 2. Collection method: clinical testing. Allele origin: germline. Affected: yes. Observed: 1 variant allele.
Comment: DACT1: BS1

Ambry Genetics
Classification: Uncertain significance. Last evaluated: 2023-12-19. Review status: criteria provided, single submitter. Criteria: Ambry Variant Classification Scheme 2023. Collection method: clinical testing. Allele origin: germline.

NM_001079520.2(DACT1):c.1997G>A (p.Gly666Glu)

Gene: DACT1 (dishevelled binding antagonist of beta catenin 1; plus strand). Cytogenetic location: 14q23.1.
Variant type: single nucleotide variant.
Coding change: c.1997G>A on transcript NM_001079520.2 (MANE Select); coding-DNA position 1997, G replaced by A.
Protein change: p.Gly666Glu; replaces glycine 666 with glutamic acid.
Molecular consequence: missense variant. On other transcripts: non-coding transcript variant (5).
Genome position (GRCh38, 1-based): chr14:58,646,731, G>A. VCF-style: chr14-58646731-G-A. GRCh37 (hg19) VCF-style: chr14-59113449-G-A.
Other names: c.2108G>A, p.Gly703Glu (NM_016651.6); short protein forms G666E, G703E.
Identifiers: ClinVar variation 3079947 (VCV003079947.2), dbSNP rs775528228, ClinGen allele CA7206970.